The following is an entry in ClinVar:

ClinVar aggregate classification (germline): Uncertain significance (1 of 4 stars; one submission).

Conditions:
Curry-Hall syndrome (WAD). Also called: WEYERS ACRODENTAL DYSOSTOSIS. Identifiers: Orphanet 952, MedGen C0457013, MONDO:0008673, OMIM 193530.
Ellis-van Creveld syndrome (EVC). Also called: EVC-Related Ellis-van Creveld Syndrome; EVC2-Related Ellis-van Creveld Syndrome; MESOECTODERMAL DYSPLASIA; Chondroectodermal dysplasia. Identifiers: Orphanet 289, MedGen C0013903, MONDO:0009162, OMIM 225500.

Allele frequency attached by ClinVar (database versions not stated): gnomAD 0.00001.
gnomAD v4.1: 2 of 1,613,718 alleles (0.00012%); highest among the groups gnomAD compares: Middle Eastern, 0.016%; no homozygotes.

Submission:

Labcorp Genetics (formerly Invitae), Labcorp
Classification: Uncertain significance for Curry-Hall syndrome; Ellis-van Creveld syndrome. Last evaluated: 2024-06-03. Review status: criteria provided, single submitter. Criteria: Invitae Variant Classification Sherloc (09022015). Collection method: clinical testing. Allele origin: germline.
Comment: This sequence change replaces histidine, which is basic and polar, with glutamine, which is neutral and polar, at codon 830 of the EVC2 protein (p.His830Gln). This variant is present in population databases (no rsID available, gnomAD 0.01%). This variant has not been reported in the literature in individuals affected with EVC2-related conditions. Algorithms developed to predict the effect of missense changes on protein structure and function output the following: SIFT: "Not Available"; PolyPhen-2: "Benign"; Align-GVGD: "Not Available". The glutamine amino acid residue is found in multiple mammalian species, which suggests that this missense change does not adversely affect protein function. In summary, the available evidence is currently insufficient to determine the role of this variant in disease. Therefore, it has been classified as a Variant of Uncertain Significance.

NM_147127.5(EVC2):c.2490C>A (p.His830Gln)

Gene: EVC2 (EvC ciliary complex subunit 2; minus strand). Cytogenetic location: 4p16.2.
Variant type: single nucleotide variant.
Coding change: c.2490C>A on transcript NM_147127.5 (MANE Select); coding-DNA position 2490, C replaced by A.
Protein change: p.His830Gln; replaces histidine 830 with glutamine.
Molecular consequence: missense variant.
Genome position (GRCh38, 1-based): chr4:5,622,548, G>T on the plus strand (C>A on the coding strand, the complement: EVC2 is on the minus strand). VCF-style: chr4-5622548-G-T. GRCh37 (hg19) VCF-style: chr4-5624275-G-T.
Other names: c.2250C>A, p.His750Gln (NM_001166136.2); short protein forms H750Q, H830Q.
Identifiers: ClinVar variation 2928519 (VCV002928519.3), dbSNP rs944565097, ClinGen allele CA356144327.
Genomic context (GRCh38, chr4:5,622,548, plus strand): 5'-GGCATCAACGGGATGGGGAGGGGTGATTACGACCCGCAAAGGCACTCACATGAAGATCAG[G>T]TGCTCCCAGCGTCGCAGCTCTGCCTGCTCCTCTGTCACGGCCTCAGGAGCGTCATCCTTC-3'
Protein context (NP_667338.3, residues 820-840): EEQAELRRWE[His830Gln]LIFMKLCSSV